The following is an entry in ClinVar:

ClinVar aggregate classification (germline): Uncertain significance (1 of 4 stars; one submission).

Conditions:
GNAS-related disorder. Identifiers: MedGen CN380105.

gnomAD v4.1: 4 of 1,613,564 alleles (0.00025%); highest among the groups gnomAD compares: South Asian, 0.0044%; no homozygotes.

Submission:

PreventionGenetics, part of Exact Sciences
Classification: Uncertain significance for GNAS-related condition. Last evaluated: 2026-08-04. Review status: criteria provided, single submitter. Criteria: ACMG Guidelines, 2015. Collection method: clinical testing. Allele origin: germline.
Comment: The GNAS c.308A>G variant is predicted to result in the amino acid substitution p.Tyr103Cys. In the more commonly reported transcript (NM_000516.5), this variant is pre-coding (c.-51313A>G. To our knowledge, this variant has not been reported in the literature. This variant is reported in 0.0033% of alleles in individuals of South Asian descent in gnomAD. At this time, the clinical significance of this variant is uncertain due to the absence of conclusive functional and genetic evidence.

NM_016592.5(GNAS):c.308A>G (p.Tyr103Cys)

Genes: GNAS (GNAS complex locus; plus strand), GNAS-AS1 (GNAS antisense RNA 1; minus strand). Cytogenetic location: 20q13.32.
Variant type: single nucleotide variant.
Coding change: c.308A>G on transcript NM_016592.5 (MANE Plus Clinical); coding-DNA position 308, A replaced by G.
Protein change: p.Tyr103Cys; replaces tyrosine 103 with cysteine.
Molecular consequence: missense variant. On other transcripts: 5 prime UTR variant (1).
Genome position (GRCh38, 1-based): chr20:58,840,414, A>G. VCF-style: chr20-58840414-A-G. GRCh37 (hg19) VCF-style: chr20-57415469-A-G.
Other names: c.-430A>G (NM_001410912.1); short protein forms Y103C.
Identifiers: ClinVar variation 3351632 (VCV003351632.2).